The following is an entry in ClinVar:

ClinVar aggregate classification (germline): Uncertain significance (1 of 4 stars; one submission).

Conditions:
Metachromatic leukodystrophy (MLD). Also called: Cerebral sclerosis diffuse metachromatic form; Arylsulfatase A Deficiency; SULFATIDE LIPIDOSIS; ARSA DEFICIENCY; CEREBROSIDE SULFATASE DEFICIENCY; METACHROMATIC LEUKOENCEPHALOPATHY. Identifiers: Orphanet 512, MedGen C0023522, MONDO:0018868, OMIM 250100.

Submission:

Labcorp Genetics (formerly Invitae), Labcorp
Classification: Uncertain significance for Metachromatic leukodystrophy. Last evaluated: 2022-02-10. Review status: criteria provided, single submitter. Criteria: Invitae Variant Classification Sherloc (09022015). Collection method: clinical testing. Allele origin: germline.
Comment: In summary, the available evidence is currently insufficient to determine the role of this variant in disease. Therefore, it has been classified as a Variant of Uncertain Significance. Advanced modeling of protein sequence and biophysical properties (such as structural, functional, and spatial information, amino acid conservation, physicochemical variation, residue mobility, and thermodynamic stability) performed at Invitae indicates that this missense variant is expected to disrupt ARSA protein function. This variant has not been reported in the literature in individuals affected with ARSA-related conditions. This variant is not present in population databases (gnomAD no frequency). This sequence change replaces glycine, which is neutral and non-polar, with arginine, which is basic and polar, at codon 305 of the ARSA protein (p.Gly305Arg).

NM_000487.6(ARSA):c.913G>A (p.Gly305Arg)

Gene: ARSA (arylsulfatase A; minus strand). Cytogenetic location: 22q13.33.
Variant type: single nucleotide variant.
Coding change: c.913G>A on transcript NM_000487.6 (MANE Select); coding-DNA position 913, G replaced by A.
Protein change: p.Gly305Arg; replaces glycine 305 with arginine.
Molecular consequence: missense variant.
Genome position (GRCh38, 1-based): chr22:50,626,220, C>T on the plus strand (G>A on the coding strand, the complement: ARSA is on the minus strand). VCF-style: chr22-50626220-C-T. GRCh37 (hg19) VCF-style: chr22-51064648-C-T.
Other names: c.913G>A, p.Gly305Arg (NM_001085425.3, NM_001085426.3, NM_001085427.3); c.655G>A, p.Gly219Arg (NM_001085428.3, NM_001362782.2); short protein forms G219R, G305R.
Identifiers: ClinVar variation 1398833 (VCV001398833.8), dbSNP rs2146720596, ClinGen allele CA412174678.